The following is an entry in ClinVar:

ClinVar aggregate classification (germline): Uncertain significance (1 of 4 stars; one submission).

Allele frequency attached by ClinVar (database versions not stated): gnomAD exomes below 0.00001.
gnomAD v4.1: 2 of 1,610,542 alleles (0.00012%); highest among the groups gnomAD compares: South Asian, 0.0011%; no homozygotes.

Submission:

Labcorp Genetics (formerly Invitae), Labcorp
Classification: Uncertain significance. Last evaluated: 2022-11-14. Review status: criteria provided, single submitter. Criteria: Invitae Variant Classification Sherloc (09022015). Collection method: clinical testing. Allele origin: germline.
Comment: This sequence change replaces glycine, which is neutral and non-polar, with arginine, which is basic and polar, at codon 724 of the COL4A3 protein (p.Gly724Arg). This variant is not present in population databases (gnomAD no frequency). This variant has not been reported in the literature in individuals affected with COL4A3-related conditions. Advanced modeling of protein sequence and biophysical properties (such as structural, functional, and spatial information, amino acid conservation, physicochemical variation, residue mobility, and thermodynamic stability) performed at Invitae indicates that this missense variant is expected to disrupt COL4A3 protein function. In summary, the available evidence is currently insufficient to determine the role of this variant in disease. Therefore, it has been classified as a Variant of Uncertain Significance.

NM_000091.5(COL4A3):c.2170G>A (p.Gly724Arg)

Genes: COL4A3 (collagen type IV alpha 3 chain; plus strand), MFF-DT (MFF divergent transcript; minus strand). Cytogenetic location: 2q36.3.
Variant type: single nucleotide variant.
Coding change: c.2170G>A on transcript NM_000091.5 (MANE Select); coding-DNA position 2170, G replaced by A.
Protein change: p.Gly724Arg; replaces glycine 724 with arginine.
Molecular consequence: missense variant.
Genome position (GRCh38, 1-based): chr2:227,279,837, G>A. VCF-style: chr2-227279837-G-A. GRCh37 (hg19) VCF-style: chr2-228144553-G-A.
Other names: short protein forms G724R.
Identifiers: ClinVar variation 2719259 (VCV002719259.3), dbSNP rs2469747787, ClinGen allele CA350847648.